The following is an entry in ClinVar:

NM_018112.3(TMEM38B):c.37T>C (p.Ser13Pro)

Gene: TMEM38B (transmembrane protein 38B; plus strand). Cytogenetic location: 9q31.2.
Variant type: single nucleotide variant.
Coding change: c.37T>C on transcript NM_018112.3 (MANE Select); coding-DNA position 37, T replaced by C.
Protein change: p.Ser13Pro; replaces serine 13 with proline.
Molecular consequence: missense variant.
Genome position (GRCh38, 1-based): chr9:105,694,697, T>C. VCF-style: chr9-105694697-T-C. GRCh37 (hg19) VCF-style: chr9-108456978-T-C.
Other names: short protein forms S13P.
Identifiers: ClinVar variation 1470142 (VCV001470142.6), dbSNP rs1387218408, ClinGen allele CA374380781.
Genomic context (GRCh38, chr9:105,694,697, plus strand): 5'-CGGTTGCCGCGGTCGGTGGTCGTTATGGATTCTCCATGGGACGAGTTGGCTCTGGCCTTC[T>C]CCCGCACGTCCATGTTTCCCTTTTTTGACATCGCGCACTATCTAGTGTCAGTGATGGCGG-3'
Protein context (NP_060582.1, residues 3-23): SPWDELALAF[Ser13Pro]RTSMFPFFDI

ClinVar aggregate classification (germline): Uncertain significance (1 of 4 stars; one submission).

Allele frequency attached by ClinVar (database versions not stated): TOPMed below 0.00001.

Submission:

Labcorp Genetics (formerly Invitae), Labcorp
Classification: Uncertain significance. Last evaluated: 2023-07-17. Review status: criteria provided, single submitter. Criteria: Invitae Variant Classification Sherloc (09022015). Collection method: clinical testing. Allele origin: germline.
Comment: In summary, the available evidence is currently insufficient to determine the role of this variant in disease. Therefore, it has been classified as a Variant of Uncertain Significance. An algorithm developed to predict the effect of missense changes on protein structure and function (PolyPhen-2) suggests that this variant is likely to be disruptive. ClinVar contains an entry for this variant (Variation ID: 1470142). This variant has not been reported in the literature in individuals affected with TMEM38B-related conditions. This variant is not present in population databases (gnomAD no frequency). This sequence change replaces serine, which is neutral and polar, with proline, which is neutral and non-polar, at codon 13 of the TMEM38B protein (p.Ser13Pro).